The following is an entry in ClinVar:

ClinVar aggregate classification (germline): Uncertain significance (1 of 4 stars; one submission).

Submission:

GeneDx
Classification: Uncertain significance. Last evaluated: 2026-03-17. Review status: criteria provided, single submitter. Criteria: GeneDx Variant Classification Process June 2021. Collection method: clinical testing. Allele origin: germline.
Comment: Not observed at significant frequency in large population cohorts (gnomAD); In silico analysis supports that this missense variant has a deleterious effect on protein structure/function; Has not been previously published as pathogenic or benign to our knowledge

NM_000557.5(GDF5):c.778G>C (p.Ala260Pro)

Genes: GDF5 (growth differentiation factor 5; minus strand), GDF5-AS1 (GDF5 antisense RNA 1; plus strand). Cytogenetic location: 20q11.22.
Variant type: single nucleotide variant.
Coding change: c.778G>C on transcript NM_000557.5 (MANE Select); coding-DNA position 778, G replaced by C.
Protein change: p.Ala260Pro; replaces alanine 260 with proline.
Molecular consequence: missense variant. On other transcripts: non-coding transcript variant (1).
Genome position (GRCh38, 1-based): chr20:35,434,637, C>G on the plus strand (G>C on the coding strand, the complement: GDF5 is on the minus strand). VCF-style: chr20-35434637-C-G. GRCh37 (hg19) VCF-style: chr20-34022435-C-G.
Other names: c.778G>C, p.Ala260Pro (NM_001319138.2); short protein forms A260P.
Identifiers: ClinVar variation 4976674 (VCV004976674.1).
Genomic context (GRCh38, chr20:35,434,637, plus strand): 5'-CATCCAGCAAGGCGGCCGGCTGCCGGCCGCTGGGGCAGCTGGACAGCTTCAGCTGGGCAG[C>G]CCGCCCGCCTCCGGGGGCCGCTGGCTTGGCCGTGTCCGAGGGCTTCTTCCGCAAGATCCG-3'
Protein context (NP_000548.2, residues 250-270): AKPAAPGGGR[Ala260Pro]AQLKLSSCPS